The following is an entry in ClinVar:

NM_001379029.1(CERT1):c.-249_-241dup

Genes: CERT1 (ceramide transporter 1; minus strand), POLK (DNA polymerase kappa; plus strand). Cytogenetic location: 5q13.3.
Variant type: Duplication.
Coding change: c.-249_-241dup on transcript NM_001379029.1 (MANE Select); 249 bases upstream of the start codon through 241 bases upstream of the start codon, 9 bases duplicated (ACGGCGGCG; older notation c.-249_-241dupACGGCGGCG).
Molecular consequence: 5 prime UTR variant. On other transcripts: inframe insertion (1).
Genome position (GRCh38, 1-based): chr5:75,511,448-75,511,456, CGCCGCCGT duplicated on the plus strand (ACGGCGGCG on the coding strand, the reverse complement: CERT1 is on the minus strand); duplicating any 9 consecutive bases within chr5:75,511,448-75,511,461 gives the same sequence; the c. name uses the placement nearest the transcript's 3' end. VCF-style (leftmost placement, unchanged base first): chr5-75511447-C-CCGCCGCCGT. GRCh37 (hg19) VCF-style: chr5-74807272-C-CCGCCGCCGT.
Other names: c.136_144dup, p.Ala48_Ala49insThrAlaAla (NM_001130105.1); c.-249_-241dup (NM_001379002.1, NM_001379003.1, NM_001379004.1 and 2 more transcripts).
Identifiers: ClinVar variation 2655543 (VCV002655543.24), dbSNP rs1473118737, ClinGen allele CA560767160.

ClinVar aggregate classification (germline): Likely benign (1 of 4 stars; one submission).

Submission:

CeGaT Center for Human Genetics Tuebingen
Classification: Likely benign. Last evaluated: 2026-02-01. Review status: criteria provided, single submitter. Criteria: CeGaT Center For Human Genetics Tuebingen Variant Classification Criteria Version 2. Collection method: clinical testing. Allele origin: germline. Affected: yes. Observed: 3 variant alleles.
Comment: CERT1: PM4, BS2